The following is an entry in ClinVar:

NM_002715.4(PPP2CA):c.239A>C (p.Tyr80Ser)

Gene: PPP2CA (protein phosphatase 2 catalytic subunit alpha; minus strand). Cytogenetic location: 5q31.1.
Variant type: single nucleotide variant.
Coding change: c.239A>C on transcript NM_002715.4 (MANE Select); coding-DNA position 239, A replaced by C.
Protein change: p.Tyr80Ser; replaces tyrosine 80 with serine.
Molecular consequence: missense variant. On other transcripts: non-coding transcript variant (1).
Genome position (GRCh38, 1-based): chr5:134,205,995, T>G on the plus strand (A>C on the coding strand, the complement: PPP2CA is on the minus strand). VCF-style: chr5-134205995-T-G. GRCh37 (hg19) VCF-style: chr5-133541686-T-G.
Other names: c.44A>C, p.Tyr15Ser (NM_001355019.2); short protein forms Y15S, Y80S.
Identifiers: ClinVar variation 2747346 (VCV002747346.3), dbSNP rs2481058346, ClinGen allele CA360994071.

ClinVar aggregate classification (germline): Uncertain significance (1 of 4 stars; one submission).

Submission:

Labcorp Genetics (formerly Invitae), Labcorp
Classification: Uncertain significance. Last evaluated: 2023-07-27. Review status: criteria provided, single submitter. Criteria: Invitae Variant Classification Sherloc (09022015). Collection method: clinical testing. Allele origin: germline.
Comment: In summary, the available evidence is currently insufficient to determine the role of this variant in disease. Therefore, it has been classified as a Variant of Uncertain Significance. Advanced modeling of protein sequence and biophysical properties (such as structural, functional, and spatial information, amino acid conservation, physicochemical variation, residue mobility, and thermodynamic stability) performed at Invitae indicates that this missense variant is expected to disrupt PPP2CA protein function. This variant has not been reported in the literature in individuals affected with PPP2CA-related conditions. This variant is not present in population databases (gnomAD no frequency). This sequence change replaces tyrosine, which is neutral and polar, with serine, which is neutral and polar, at codon 80 of the PPP2CA protein (p.Tyr80Ser).